The following is an entry in ClinVar:

ClinVar aggregate classification (germline): Uncertain significance (1 of 4 stars; one submission).

Conditions:
Inborn genetic diseases. Identifiers: MedGen C0950123, MeSH D030342.

Submission:

Ambry Genetics
Classification: Uncertain significance for Inborn genetic diseases. Last evaluated: 2026-07-18. Review status: criteria provided, single submitter. Criteria: Ambry Variant Classification Scheme 2023. Collection method: clinical testing. Allele origin: germline.
Comment: The p.A91V variant (also known as c.272C>T), located in coding exon 3 of the PAX5 gene, results from a C to T substitution at nucleotide position 272. The alanine at codon 91 is replaced by valine, an amino acid with similar properties. This amino acid position is conserved. In addition, this alteration is predicted to be deleterious by in silico analysis. Based on the available evidence, the clinical significance of this variant remains unclear.

NM_016734.3(PAX5):c.272C>T (p.Ala91Val)

Gene: PAX5 (paired box 5; minus strand). Cytogenetic location: 9p13.2.
Variant type: single nucleotide variant.
Coding change: c.272C>T on transcript NM_016734.3 (MANE Select); coding-DNA position 272, C replaced by T.
Protein change: p.Ala91Val; replaces alanine 91 with valine.
Molecular consequence: missense variant. On other transcripts: 5 prime UTR variant (2), non-coding transcript variant (2), intron variant (1).
Genome position (GRCh38, 1-based): chr9:37,015,135, G>A on the plus strand (C>T on the coding strand, the complement: PAX5 is on the minus strand). VCF-style: chr9-37015135-G-A. GRCh37 (hg19) VCF-style: chr9-37015132-G-A.
Other names: c.272C>T, p.Ala91Val (NM_001280547.2, NM_001280548.2, NM_001280549.2 and 4 more transcripts); c.-53C>T (NM_001280551.2, NM_001280556.2); c.212+5501C>T (NM_001280555.2); short protein forms A91V.
Identifiers: ClinVar variation 5026301 (VCV005026301.1).